The following is an entry in ClinVar:

ClinVar aggregate classification (germline): Conflicting classifications of pathogenicity. Review status: criteria provided, conflicting classifications (1 of 4 stars). 2 submissions from 2 submitters: Likely pathogenic (1); Uncertain significance (1). Last evaluated 2020-04-10.

Conditions:
Familial thoracic aortic aneurysm and aortic dissection (TAAD). Also called: Thoracic aortic aneurysms and dissections. Identifiers: Orphanet 91387, MedGen C4707243, MONDO:0019625.

Allele frequency attached by ClinVar (database versions not stated): gnomAD exomes below 0.00001.
gnomAD v4.1: 1 of 1,613,954 alleles (0.000062%); highest among the groups gnomAD compares: Non-Finnish European, 0.000085%; no homozygotes.

Submissions (2):

Ambry Genetics
Classification: Likely pathogenic for Familial thoracic aortic aneurysm and aortic dissection. Last evaluated: 2020-04-10. Review status: criteria provided, single submitter. Criteria: Ambry Variant Classification Scheme 2023. Collection method: clinical testing. Allele origin: germline.
Comment: The p.G432S variant (also known as c.1294G>A) is located in coding exon 19 of the COL3A1 gene. The glycine at codon 432 is replaced by serine, an amino acid with similar properties. This change occurs in the first base pair of coding exon 19. The majority (approximately two-thirds) of COL3A1 mutations identified to date have involved the substitution of another amino acid for glycine within the triple-helical domain (Pepin MG et al. Genet Med. 2014;16(12):881-8; Frank M et al. Eur J Hum Genet. 2015;23(12):1657-64). Internal structural analysis indicates that this alteration disrupts the characteristic G-X-Y motif in the COL3A1 protein and inserts a bulky side chain into a sterically-constrained region (Bella J et al. Science. 1994;266:75-81; Hohenester E et al. Proc. Natl. Acad. Sci. U.S.A. 2008;105:18273-7; Ambry internal data).This amino acid position is highly conserved in available vertebrate species. In addition, this alteration is predicted to be deleterious by in silico analysis. Based on the majority of available evidence to date, this variant is likely to be pathogenic.

GeneDx
Classification: Uncertain significance. Last evaluated: 2015-10-07. Review status: criteria provided, single submitter. Criteria: GeneDx Variant Classification (06012015). Collection method: clinical testing. Allele origin: germline. Affected: yes.
Comment: The G432S has not been published as a pathogenic variant, nor has it been reported as a benign variant to our knowledge. The G432S variant was not observed in approximately 6,500 individuals of European and African American ancestry in the NHLBI Exome Sequencing Project, indicating it is not a common benign variant in these populations. The G432S variant is a non-conservative amino acid substitution, which is likely to impact secondary protein structure as these residues differ in polarity, charge, size and/or other properties. This substitution occurs at a position that is conserved across species. Furthermore, in silico analysis predicts this variant is probably damaging to the protein structure/function. The G432S variant affects a Glycine residue in a Gly-X-Y motif in the triple helical region of the COL3A1gene, where the majority of missense pathogenic variants occur (Stenson et al., 2014; Symoens et al., 2012). Nevertheless, no missense pathogenic variants in nearby residues have been reported in the Human Gene Mutation Database in association with EDS IV (Stenson et al., 2014), indicating that this region of the protein may be tolerant of change.

NM_000090.4(COL3A1):c.1294G>A (p.Gly432Ser)

Gene: COL3A1 (collagen type III alpha 1 chain; plus strand). Cytogenetic location: 2q32.2.
Variant type: single nucleotide variant.
Coding change: c.1294G>A on transcript NM_000090.4 (MANE Select); coding-DNA position 1294, G replaced by A.
Protein change: p.Gly432Ser; replaces glycine 432 with serine.
Molecular consequence: missense variant.
Genome position (GRCh38, 1-based): chr2:188,994,541, G>A. VCF-style: chr2-188994541-G-A. GRCh37 (hg19) VCF-style: chr2-189859267-G-A.
Other names: p.G432S:GGT>AGT; short protein forms G432S.
Identifiers: ClinVar variation 199721 (VCV000199721.4), dbSNP rs794728045, ClinGen allele CA004212.
Genomic context (GRCh38, chr2:188,994,541, plus strand): 5'-GGTGATGATTTGTTAGTCGAATCCTCCCTGTGTTTCAACCAAGACTTTGTTATACTTTAG[G>A]GTGAGCCTGGTAAGAATGGTGCCAAAGGAGAGCCCGGACCACGTGGTGAACGCGTAAGTT-3'
Protein context (NP_000081.2, residues 422-442): NGAPGLRGGA[Gly432Ser]EPGKNGAKGE